The following is an entry in ClinVar:

NM_004284.6(CHD1L):c.1259G>A (p.Ser420Asn)

Gene: CHD1L (chromodomain helicase DNA binding protein 1 like; plus strand). Cytogenetic location: 1q21.1.
Variant type: single nucleotide variant.
Coding change: c.1259G>A on transcript NM_004284.6 (MANE Select); coding-DNA position 1259, G replaced by A.
Protein change: p.Ser420Asn; replaces serine 420 with asparagine.
Molecular consequence: missense variant. On other transcripts: non-coding transcript variant (14).
Genome position (GRCh38, 1-based): chr1:147,272,270, G>A. VCF-style: chr1-147272270-G-A. GRCh37 (hg19) VCF-style: chr1-146743931-G-A.
Other names: c.959G>A, p.Ser320Asn (NM_001256336.3); c.416G>A, p.Ser139Asn (NM_001256337.3, NM_001348456.2, NM_001348457.2 and 9 more transcripts); c.647G>A, p.Ser216Asn (NM_001256338.3); c.1043G>A, p.Ser348Asn (NM_001348451.2, NM_001348452.2); c.920G>A, p.Ser307Asn (NM_001348453.2, NM_024568.4); c.803G>A, p.Ser268Asn (NM_001348454.2); c.770G>A, p.Ser257Asn (NM_001348455.2); short protein forms S139N, S216N, S257N, S268N, S307N, S320N, S348N, S420N.
Identifiers: ClinVar variation 3048436 (VCV003048436.2), dbSNP rs1676541454, ClinGen allele CA342203830.

ClinVar aggregate classification (germline): Uncertain significance (0 of 4 stars; one submission).

Conditions:
CHD1L-related disorder. Also called: CHD1L-related condition.

Allele frequency attached by ClinVar (database versions not stated): gnomAD exomes below 0.00001; TOPMed below 0.00001.
gnomAD v4.1: 1 of 1,612,298 alleles (0.000062%); highest among the groups gnomAD compares: Admixed American, 0.0017%; no homozygotes.

Submission:

PreventionGenetics, part of Exact Sciences
Classification: Uncertain significance for CHD1L-related condition. Last evaluated: 2024-01-18. Review status: no assertion criteria provided. Collection method: clinical testing. Allele origin: germline.
Comment: The CHD1L c.1259G>A variant is predicted to result in the amino acid substitution p.Ser420Asn. To our knowledge, this variant has not been reported in the literature or in a large population database, indicating this variant is rare. At this time, the clinical significance of this variant is uncertain due to the absence of conclusive functional and genetic evidence.